The following is an entry in ClinVar:

ClinVar aggregate classification (germline): Likely benign (0 of 4 stars; one submission).

Conditions:
HCN1-related disorder. Also called: HCN1-related disorders; HCN1-related condition.

Allele frequency attached by ClinVar (database versions not stated): ExAC 0.00001.

Submission:

PreventionGenetics, part of Exact Sciences
Classification: Likely benign for HCN1-related condition. Last evaluated: 2019-08-20. Review status: no assertion criteria provided. Collection method: clinical testing. Allele origin: germline.
Comment: This variant is classified as likely benign based on ACMG/AMP sequence variant interpretation guidelines (Richards et al. 2015 PMID: 25741868, with internal and published modifications).

NM_021072.4(HCN1):c.639C>A (p.Ile213=)

Gene: HCN1 (hyperpolarization activated cyclic nucleotide gated potassium channel 1; minus strand). Cytogenetic location: 5p12.
Variant type: single nucleotide variant.
Coding change: c.639C>A on transcript NM_021072.4 (MANE Select); coding-DNA position 639, C replaced by A.
Protein change: p.Ile213=; no amino-acid change (isoleucine 213 retained).
Molecular consequence: synonymous variant.
Genome position (GRCh38, 1-based): chr5:45,645,395, G>T on the plus strand (C>A on the coding strand, the complement: HCN1 is on the minus strand). VCF-style: chr5-45645395-G-T. GRCh37 (hg19) VCF-style: chr5-45645497-G-T.
Identifiers: ClinVar variation 3052815 (VCV003052815.2), dbSNP rs778870158, ClinGen allele CA3259425.
Genomic context (GRCh38, chr5:45,645,395, plus strand): 5'-ATCCACTGGGATGGATGAGATGAAGTCAACCACAAACCAGCTTTTTAAATAATTCATCTT[G>T]ATCACTTTGGGGTCCAGGATGATTTCAGAACTGTCTTCATTGACAGTCCCAGTCCTAAAA-3'
Protein context (NP_066550.2, residues 203-223): SSEIILDPKV[Ile213=]KMNYLKSWFV